The following is an entry in ClinVar:

ClinVar aggregate classification (germline): Uncertain significance (1 of 4 stars; one submission).

Submission:

GeneDx
Classification: Uncertain significance. Last evaluated: 2017-07-14. Review status: criteria provided, single submitter. Criteria: GeneDx Variant Classification (06012015). Collection method: clinical testing. Allele origin: germline. Affected: yes.
Comment: A variant of uncertain significance has been identified in the POLG2 gene. The c.1192-1 G>T variant has not been published as a pathogenic variant, nor has it been reported as a benign variant to our knowledge. The c.1192-1 G>T variant is not observed in large population cohorts (Lek et al., 2016; 1000 Genomes Consortium et al., 2015; Exome Variant Server). The c.1192-1 G>T splice site variant gene destroys the canonical splice acceptor site for intron 6. It is predicted to cause abnormal gene splicing, either leading to an abnormal message that is subject to nonsense-mediated mRNA decay, or to an abnormal protein product if the message is used for protein translation. Based on the currently available information, it is unclear whether this variant is a pathogenic variant or a rare benign variant.

NM_007215.4(POLG2):c.1192-1G>T

Genes: MILR1 (mast cell immunoglobulin like receptor 1; plus strand), POLG2 (DNA polymerase gamma 2, accessory subunit; minus strand). Cytogenetic location: 17q23.3.
Variant type: single nucleotide variant.
Coding change: c.1192-1G>T on transcript NM_007215.4 (MANE Select); the canonical splice acceptor site of the intron before coding-DNA position 1192, G replaced by T.
Molecular consequence: splice acceptor variant.
Genome position (GRCh38, 1-based): chr17:64,480,390, C>A on the plus strand (G>T on the coding strand, the complement: POLG2 is on the minus strand). VCF-style: chr17-64480390-C-A. GRCh37 (hg19) VCF-style: chr17-62476507-C-A.
Identifiers: ClinVar variation 450554 (VCV000450554.2), dbSNP rs1555666276, ClinGen allele CA400636600.
Genomic context (GRCh38, chr17:64,480,390, plus strand): 5'-ATAACCAGGCCACACAGAAATCCCATTTTCTAGTAACTCATTAAATAGCCCTTGACAAAC[C>A]TAGAAAGAAATAGAAAAACTTCAAATATGAAAGAAATAATGGTAGCTAGAGTGATTATTC-3'